The following is an entry in ClinVar:

NM_025114.4(CEP290):c.3817C>A (p.Gln1273Lys)

Gene: CEP290 (centrosomal protein 290; minus strand). Cytogenetic location: 12q21.32.
Variant type: single nucleotide variant.
Coding change: c.3817C>A on transcript NM_025114.4 (MANE Select); coding-DNA position 3817, C replaced by A.
Protein change: p.Gln1273Lys; replaces glutamine 1273 with lysine.
Molecular consequence: missense variant.
Genome position (GRCh38, 1-based): chr12:88,089,244, G>T on the plus strand (C>A on the coding strand, the complement: CEP290 is on the minus strand). VCF-style: chr12-88089244-G-T. GRCh37 (hg19) VCF-style: chr12-88483021-G-T.
Other names: short protein forms Q1273K.
Identifiers: ClinVar variation 3490696 (VCV003490696.4).

ClinVar aggregate classification (germline): Uncertain significance. Review status: criteria provided, multiple submitters, no conflicts (2 of 4 stars). 3 submissions from 3 submitters: Uncertain significance (3). Last evaluated 2024-10-25.

Conditions:
Inborn genetic diseases. Identifiers: MedGen C0950123, MeSH D030342.
Joubert syndrome. Also called: CEREBELLOPARENCHYMAL DISORDER IV; JOUBERT-BOLTSHAUSER SYNDROME; Familial aplasia of the vermis. Identifiers: Orphanet 475, MedGen C5979921, MONDO:0018772.
Nephronophthisis. Also called: Juvenile Nephronophthisis. Identifiers: Orphanet 655, MedGen C0687120, MONDO:0019005, HP:0000090.
Meckel-Gruber syndrome. Also called: DYSENCEPHALIA SPLANCHNOCYSTICA; GRUBER SYNDROME; Dysencephalia splachnocystica. Identifiers: Orphanet 564, MedGen C0265215, MONDO:0018921.
Joubert syndrome 5 (JBTS5). Identifiers: Orphanet 2318, MedGen C1857780, MONDO:0012432, OMIM 610188.
Senior-Loken syndrome 6 (SLSN6). Identifiers: Orphanet 3156, MedGen C1857779, MONDO:0012433, OMIM 610189.
Bardet-Biedl syndrome 14 (BBS14). Identifiers: Orphanet 110, MedGen C2673874, MONDO:0014442, OMIM 615991.
Leber congenital amaurosis 10 (LCA10). Identifiers: Orphanet 65, MedGen C1857821, MONDO:0012723, OMIM 611755.
Meckel syndrome, type 4 (MKS4). Also called: MECKEL-GRUBER SYNDROME, TYPE 4. Identifiers: Orphanet 564, MedGen C1970161, MONDO:0012626, OMIM 611134.

gnomAD v4.1: 4 of 1,613,914 alleles (0.00025%); highest among the groups gnomAD compares: African/African-American, 0.0053%; no homozygotes.

Submissions (3):

Ambry Genetics
Classification: Uncertain significance for Inborn genetic diseases. Last evaluated: 2024-10-25. Review status: criteria provided, single submitter. Criteria: Ambry Variant Classification Scheme 2023. Collection method: clinical testing. Allele origin: germline.

Labcorp Genetics (formerly Invitae), Labcorp
Classification: Uncertain significance for Joubert syndrome; Meckel-Gruber syndrome; Nephronophthisis. Last evaluated: 2024-10-17. Review status: criteria provided, single submitter. Criteria: Invitae Variant Classification Sherloc (09022015). Collection method: clinical testing. Allele origin: germline.
Comment: This sequence change replaces glutamine, which is neutral and polar, with lysine, which is basic and polar, at codon 1273 of the CEP290 protein (p.Gln1273Lys). This variant is present in population databases (rs531461478, gnomAD 0.008%). This variant has not been reported in the literature in individuals affected with CEP290-related conditions. Invitae Evidence Modeling of protein sequence and biophysical properties (such as structural, functional, and spatial information, amino acid conservation, physicochemical variation, residue mobility, and thermodynamic stability) indicates that this missense variant is expected to disrupt CEP290 protein function with a positive predictive value of 80%. In summary, the available evidence is currently insufficient to determine the role of this variant in disease. Therefore, it has been classified as a Variant of Uncertain Significance.

Fulgent Genetics
Classification: Uncertain significance for Joubert syndrome 5; Senior-Loken syndrome 6; Meckel syndrome, type 4; Leber congenital amaurosis 10; Bardet-Biedl syndrome 14. Last evaluated: 2024-06-11. Review status: criteria provided, single submitter. Criteria: ACMG Guidelines, 2015. Collection method: clinical testing. Allele origin: germline.